The following is an entry in ClinVar:

NM_004370.6(COL12A1):c.8266-6T>G

Gene: COL12A1 (collagen type XII alpha 1 chain; minus strand). Cytogenetic location: 6q13.
Variant type: single nucleotide variant.
Coding change: c.8266-6T>G on transcript NM_004370.6 (MANE Select); 6 bases into the intron before coding-DNA position 8266, T replaced by G.
Molecular consequence: intron variant.
Genome position (GRCh38, 1-based): chr6:75,103,816, A>C on the plus strand (T>G on the coding strand, the complement: COL12A1 is on the minus strand). VCF-style: chr6-75103816-A-C. GRCh37 (hg19) VCF-style: chr6-75813532-A-C.
Other names: c.4774-6T>G (NM_080645.3).
Identifiers: ClinVar variation 2417942 (VCV002417942.8), dbSNP rs2533110518, ClinGen allele CA2580075789.
Genomic context (GRCh38, chr6:75,103,816, plus strand): 5'-CAATTGCCCCACTGATACCTCTTTCACCTCTGGGACCTTTAGCACCAGGTCCTCCCTAAA[A>C]TACATAGAGCACATAGTAGTGTGAACATAGGAAAATAGGAGGAAGTTGATATACAAAAAG-3'

ClinVar aggregate classification (germline): Uncertain significance. Review status: criteria provided, multiple submitters, no conflicts (2 of 4 stars). 2 submissions from 2 submitters: Uncertain significance (2). Last evaluated 2023-10-23.

Conditions:
Ullrich congenital muscular dystrophy 2 (UCMD2). Identifiers: Orphanet 75840, MedGen C4225314, MONDO:0014654, OMIM 616470.
Bethlem myopathy 2 (BTHLM2). Identifiers: Orphanet 536516, Orphanet 610, MedGen C4225313, MONDO:0034022, OMIM 616471.

Submissions (2):

GeneDx
Classification: Uncertain significance. Last evaluated: 2023-10-23. Review status: criteria provided, single submitter. Criteria: GeneDx Variant Classification Process June 2021. Collection method: clinical testing. Allele origin: germline. Affected: yes.
Comment: Has not been previously published as pathogenic or benign to our knowledge; Not observed at significant frequency in large population cohorts (gnomAD); In silico analysis supports a deleterious effect on splicing

Labcorp Genetics (formerly Invitae), Labcorp
Classification: Uncertain significance for Bethlem myopathy 2; Ullrich congenital muscular dystrophy 2. Last evaluated: 2022-09-01. Review status: criteria provided, single submitter. Criteria: Invitae Variant Classification Sherloc (09022015). Collection method: clinical testing. Allele origin: germline.
Comment: This variant has been observed in individual(s) with clinical features of autosomal dominant COL12A1-related conditions (Invitae). Algorithms developed to predict the effect of sequence changes on RNA splicing suggest that this variant may disrupt the consensus splice site. In summary, the available evidence is currently insufficient to determine the role of this variant in disease. Therefore, it has been classified as a Variant of Uncertain Significance. This sequence change falls in intron 54 of the COL12A1 gene. It does not directly change the encoded amino acid sequence of the COL12A1 protein. This variant is not present in population databases (gnomAD no frequency).